The following is an entry in ClinVar:

ClinVar aggregate classification (germline): Uncertain significance. Review status: criteria provided, multiple submitters, no conflicts (2 of 4 stars). 3 submissions from 3 submitters: Uncertain significance (3). Last evaluated 2025-09-30.

Conditions:
Hereditary nonpolyposis colorectal neoplasms. Identifiers: MedGen C0009405, MeSH D003123.
Lynch syndrome. Identifiers: Orphanet 144, MedGen C4552100, MONDO:0005835. Disease mechanism: loss of function.
Hereditary cancer-predisposing syndrome. Also called: Hereditary Cancer Syndrome; Tumor predisposition; Hereditary neoplastic syndrome; Neoplastic Syndromes, Hereditary. Identifiers: Orphanet 140162, MedGen C0027672, MeSH D009386, MONDO:0015356.

Allele frequency attached by ClinVar (database versions not stated): gnomAD exomes below 0.00001; gnomAD 0.00001; TOPMed 0.00002.

Submissions (3):

Labcorp Genetics (formerly Invitae), Labcorp
Classification: Uncertain significance for Hereditary nonpolyposis colorectal neoplasms. Last evaluated: 2025-09-30. Review status: criteria provided, single submitter. Criteria: Invitae Variant Classification Sherloc (09022015). Collection method: clinical testing. Allele origin: germline.
Comment: This sequence change replaces proline, which is neutral and non-polar, with leucine, which is neutral and non-polar, at codon 82 of the MSH6 protein (p.Pro82Leu). This variant is not present in population databases (gnomAD no frequency). This variant has not been reported in the literature in individuals affected with MSH6-related conditions. ClinVar contains an entry for this variant (Variation ID: 1056885). Invitae Evidence Modeling of protein sequence and biophysical properties (such as structural, functional, and spatial information, amino acid conservation, physicochemical variation, residue mobility, and thermodynamic stability) indicates that this missense variant is not expected to disrupt MSH6 protein function with a negative predictive value of 95%. RNA analysis performed to evaluate the impact of this missense change on mRNA splicing indicates it does not significantly alter splicing (internal data). In summary, the available evidence is currently insufficient to determine the role of this variant in disease. Therefore, it has been classified as a Variant of Uncertain Significance.

Ambry Genetics
Classification: Uncertain significance for Hereditary cancer-predisposing syndrome. Last evaluated: 2024-09-22. Review status: criteria provided, single submitter. Criteria: Ambry Variant Classification Scheme 2023. Collection method: clinical testing. Allele origin: germline.
Comment: The p.P82L variant (also known as c.245C>T), located in coding exon 1 of the MSH6 gene, results from a C to T substitution at nucleotide position 245. The proline at codon 82 is replaced by leucine, an amino acid with similar properties. This amino acid position is well conserved in available vertebrate species. In addition, this alteration is predicted to be tolerated by in silico analysis. Since supporting evidence is limited at this time, the clinical significance of this alteration remains unclear.

All of Us Research Program, National Institutes of Health
Classification: Uncertain significance for Lynch syndrome. Last evaluated: 2023-11-30. Review status: criteria provided, single submitter. Criteria: ACMG Guidelines, 2015. Collection method: clinical testing. Allele origin: germline. Inheritance: Autosomal dominant inheritance. Observed: 1 variant allele, 1 heterozygote.
Comment: This study involves interpretation of variants in research participants for the purpose of population health screening. Participant phenotype was not available at the time of variant classification. Additional details can be found in publication PMID: 35346344, PMCID: PMC8962531

NM_000179.3(MSH6):c.245C>T (p.Pro82Leu)

Genes: MSH6 (mutS homolog 6; plus strand), LOC129933707 (ATAC-STARR-seq lymphoblastoid silent region 11468; plus strand). Cytogenetic location: 2p16.3.
Variant type: single nucleotide variant.
Coding change: c.245C>T on transcript NM_000179.3 (MANE Select); coding-DNA position 245, C replaced by T.
Protein change: p.Pro82Leu; replaces proline 82 with leucine.
Molecular consequence: missense variant. On other transcripts: 5 prime UTR variant (1), intron variant (1).
Genome position (GRCh38, 1-based): chr2:47,783,478, C>T. VCF-style: chr2-47783478-C-T. GRCh37 (hg19) VCF-style: chr2-48010617-C-T.
Other names: c.-492C>T (NM_001281493.2); c.237+8C>T (NM_001281492.2); short protein forms P82L.
Identifiers: ClinVar variation 1056885 (VCV001056885.13), dbSNP rs1190756871, ClinGen allele CA346735126.